The following is an entry in ClinVar:

NM_201596.3(CACNB2):c.899T>C (p.Met300Thr)

Gene: CACNB2 (calcium voltage-gated channel auxiliary subunit beta 2; plus strand). Cytogenetic location: 10p12.31.
Variant type: single nucleotide variant.
Coding change: c.899T>C on transcript NM_201596.3 (MANE Select); coding-DNA position 899, T replaced by C.
Protein change: p.Met300Thr; replaces methionine 300 with threonine.
Molecular consequence: missense variant.
Genome position (GRCh38, 1-based): chr10:18,518,923, T>C. VCF-style: chr10-18518923-T-C. GRCh37 (hg19) VCF-style: chr10-18807852-T-C.
Other names: c.734T>C, p.Met245Thr (NM_000724.4); c.701T>C, p.Met234Thr (NM_001167945.2); c.620T>C, p.Met207Thr (NM_001330060.2); c.641T>C, p.Met214Thr (NM_001410882.1); c.755T>C, p.Met252Thr (NM_201570.3); c.815T>C, p.Met272Thr (NM_201571.4); c.743T>C, p.Met248Thr (NM_201572.4); c.737T>C, p.Met246Thr (NM_201590.3); and 2 more; short protein forms M214T, M234T, M245T, M252T, M262T, M248T, M272T, M276T.
Identifiers: ClinVar variation 2447819 (VCV002447819.2), dbSNP rs1564644091, ClinGen allele CA376061778.

ClinVar aggregate classification (germline): Uncertain significance (1 of 4 stars; one submission).

Conditions:
Cardiovascular phenotype. Identifiers: MedGen CN230736.

Allele frequency attached by ClinVar (database versions not stated): gnomAD exomes below 0.00001.
gnomAD v4.1: 5 of 1,613,922 alleles (0.00031%); highest among the groups gnomAD compares: Non-Finnish European, 0.00042%; no homozygotes.

Submission:

Ambry Genetics
Classification: Uncertain significance for Cardiovascular phenotype. Last evaluated: 2022-12-25. Review status: criteria provided, single submitter. Criteria: Ambry Variant Classification Scheme 2023. Collection method: clinical testing. Allele origin: germline.
Comment: The p.M246T variant (also known as c.737T>C), located in coding exon 8 of the CACNB2 gene, results from a T to C substitution at nucleotide position 737. The methionine at codon 246 is replaced by threonine, an amino acid with similar properties. This amino acid position is conserved. In addition, this alteration is predicted to be deleterious by in silico analysis. Since supporting evidence is limited at this time, the clinical significance of this alteration remains unclear.